The following is an entry in ClinVar:

ClinVar aggregate classification (germline): Conflicting classifications of pathogenicity. Review status: criteria provided, conflicting classifications (1 of 4 stars). 2 submissions from 2 submitters: Uncertain significance (1); Likely benign (1). Last evaluated 2025-05-19.

Conditions:
Alpha thalassemia-X-linked intellectual disability syndrome (ATRX). Also called: X-linked alpha-thalassemia-mental retardation syndrome; ALPHA-THALASSEMIA/IMPAIRED INTELLECTUAL DEVELOPMENT SYNDROME, X-LINKED; ALPHA-THALASSEMIA/MENTAL RETARDATION SYNDROME, X-LINKED; ATR, NONDELETION TYPE; ATR-X syndrome; Alpha thalassemia mental retardation syndrome, nondeletion type, X-linked. Identifiers: Orphanet 847, MedGen C1845055, MONDO:0010519, OMIM 301040.

Allele frequency attached by ClinVar (database versions not stated): ExAC 0.00001.
gnomAD v4.1: 1 of 1,210,112 alleles (0.000083%); highest among the groups gnomAD compares: Non-Finnish European, 0.00011%; no homozygotes.

Submissions (2):

Women's Health and Genetics/Laboratory Corporation of America, LabCorp
Classification: Uncertain significance. Last evaluated: 2025-05-19. Review status: criteria provided, single submitter. Criteria: LabCorp Variant Classification Summary - May 2015. Collection method: clinical testing. Allele origin: germline.
Comment: Variant summary: ATRX c.1844A>G (p.Tyr615Cys) results in a non-conservative amino acid change in the encoded protein sequence. Algorithms developed to predict the effect of missense changes on protein structure and function are either unavailable or do not agree on the potential impact of this missense change. The variant was absent in 183122 control chromosomes. The available data on variant occurrences in the general population are insufficient to allow any conclusion about variant significance. To our knowledge, no occurrence of c.1844A>G in individuals affected with ATR-X Syndrome and no experimental evidence demonstrating its impact on protein function have been reported. ClinVar contains an entry for this variant (Variation ID: 1159216). Based on the evidence outlined above, the variant was classified as uncertain significance.

Labcorp Genetics (formerly Invitae), Labcorp
Classification: Likely benign for Alpha thalassemia-X-linked intellectual disability syndrome. Last evaluated: 2023-10-16. Review status: criteria provided, single submitter. Criteria: Invitae Variant Classification Sherloc (09022015). Collection method: clinical testing. Allele origin: germline.

NM_000489.6(ATRX):c.1844A>G (p.Tyr615Cys)

Gene: ATRX (ATRX chromatin remodeler; minus strand). Cytogenetic location: Xq21.1.
Variant type: single nucleotide variant.
Coding change: c.1844A>G on transcript NM_000489.6 (MANE Select); coding-DNA position 1844, A replaced by G.
Protein change: p.Tyr615Cys; replaces tyrosine 615 with cysteine.
Molecular consequence: missense variant.
Genome position (GRCh38, 1-based): chrX:77,683,412, T>C on the plus strand (A>G on the coding strand, the complement: ATRX is on the minus strand). VCF-style: chrX-77683412-T-C. GRCh37 (hg19) VCF-style: chrX-76938904-T-C.
Other names: c.1730A>G, p.Tyr577Cys (NM_138270.5); short protein forms Y577C, Y615C.
Identifiers: ClinVar variation 1159216 (VCV001159216.10), dbSNP rs782184873, ClinGen allele CA10458152.